The following is an entry in ClinVar:

NM_001037.5(SCN1B):c.59dup (p.Cys21fs)

Gene: SCN1B (sodium voltage-gated channel beta subunit 1; plus strand). Cytogenetic location: 19q13.11.
Variant type: Duplication.
Coding change: c.59dup on transcript NM_001037.5 (MANE Select); coding-DNA position 59, one base duplicated (G; older notation c.59dupG).
Protein change: p.Cys21fs; shifts the reading frame from cysteine 21.
Molecular consequence: frameshift variant. On other transcripts: 5 prime UTR variant (1).
Genome position (GRCh38, 1-based): chr19:35,032,546, G duplicated; the last of 5 consecutive G bases (chr19:35,032,542-35,032,546); duplicating any one gives the same sequence. VCF-style (leftmost placement, unchanged base first): chr19-35032541-C-CG. GRCh37 (hg19) VCF-style: chr19-35523445-C-CG.
Other names: c.-41dup (NM_001321605.2); c.59dup, p.Cys21fs (NM_199037.5); c.59dup (NM_001037.4); short protein forms C21fs.
Identifiers: ClinVar variation 2728379 (VCV002728379.4), dbSNP rs1568348569, ClinGen allele CA633056563.
Genomic context (GRCh38, chr19:35,032,541, plus strand): 5'-TAGGGCAATGGGTGCCTCTGCCTGACCTGAGCCTGCTGTCCCCACAGTGTCCTCAGCCTG[C>CG]GGGGGCTGCGTGGAGGTGGACTCGGAGACCGAGGCCGTGTATGGGATGACCTTCAAAATT-3'

ClinVar aggregate classification (germline): Pathogenic. Review status: criteria provided, multiple submitters, no conflicts (2 of 4 stars). 2 submissions from 2 submitters: Pathogenic (2). Last evaluated 2026-02-04.

Conditions:
Brugada syndrome 5 (BRGDA5). Identifiers: Orphanet 130, Orphanet 871, MedGen C2748541, MONDO:0013015, OMIM 612838.

Submissions (2):

GeneDx
Classification: Pathogenic. Last evaluated: 2026-02-04. Review status: criteria provided, single submitter. Criteria: GeneDx Variant Classification Process June 2021. Collection method: clinical testing. Allele origin: germline.
Comment: Frameshift variant predicted to result in protein truncation or nonsense mediated decay in a gene for which loss of function is a known mechanism of disease; Not observed at significant frequency in large population cohorts (gnomAD); Has not been previously published as pathogenic or benign to our knowledge

Labcorp Genetics (formerly Invitae), Labcorp
Classification: Pathogenic for Brugada syndrome 5. Last evaluated: 2025-03-09. Review status: criteria provided, single submitter. Criteria: Invitae Variant Classification Sherloc (09022015). Collection method: clinical testing. Allele origin: germline.
Comment: This sequence change creates a premature translational stop signal (p.Cys21Leufs*32) in the SCN1B gene. It is expected to result in an absent or disrupted protein product. Loss-of-function variants in SCN1B are known to be pathogenic (PMID: 17629415, 30660056). This variant is present in population databases (no rsID available, gnomAD 0.0009%). This variant has not been reported in the literature in individuals affected with SCN1B-related conditions. ClinVar contains an entry for this variant (Variation ID: 2728379). For these reasons, this variant has been classified as Pathogenic.

Literature cited by the submitters: PubMed 17629415 (cited by Labcorp Genetics (formerly Invitae), Labcorp); PubMed 30660056 (cited by Labcorp Genetics (formerly Invitae), Labcorp).